The following is an entry in ClinVar:

ClinVar aggregate classification (germline): Benign/Likely benign. Review status: criteria provided, multiple submitters, no conflicts (2 of 4 stars). 3 submissions from 3 submitters: Benign (1); Likely benign (2). Last evaluated 2026-06-23.

Conditions:
Retinoblastoma (RB1). Also called: RETINOBLASTOMA, SOMATIC. Identifiers: Orphanet 790, MedGen C0035335, MeSH D012175, MONDO:0008380, OMIM 180200, HP:0009919. Disease mechanism: loss of function. Inheritance: Both sporadic and heritable forms are tested..
Hereditary cancer-predisposing syndrome. Also called: Tumor predisposition; Hereditary Cancer Syndrome; Hereditary neoplastic syndrome; Neoplastic Syndromes, Hereditary. Identifiers: Orphanet 140162, MedGen C0027672, MeSH D009386, MONDO:0015356.

Allele frequency attached by ClinVar (database versions not stated): gnomAD exomes 0.00002; ExAC 0.00001; gnomAD 0.00001; TOPMed 0.00002.
gnomAD v4.1: 4 of 1,609,278 alleles (0.00025%); highest among the groups gnomAD compares: Admixed American, 0.0067%; 1 homozygote.

Submissions (3):

Myriad Genetics, Inc.
Classification: Benign for Retinoblastoma. Last evaluated: 2026-06-23. Review status: criteria provided, single submitter. Criteria: Myriad Autosomal Dominant, Autosomal Recessive and X-Linked Classification Criteria (2023). Collection method: clinical testing. Allele origin: unknown.
Comment: This variant is considered benign. This variant is a silent/synonymous amino acid change and it is not expected to impact splicing.

Labcorp Genetics (formerly Invitae), Labcorp
Classification: Likely benign for Retinoblastoma. Last evaluated: 2025-11-25. Review status: criteria provided, single submitter. Criteria: Invitae Variant Classification Sherloc (09022015). Collection method: clinical testing. Allele origin: germline.

Ambry Genetics
Classification: Likely benign for Hereditary cancer-predisposing syndrome. Last evaluated: 2018-12-04. Review status: criteria provided, single submitter. Criteria: Ambry Variant Classification Scheme 2023. Collection method: clinical testing. Allele origin: germline.

NM_000321.3(RB1):c.165T>A (p.Pro55=)

Gene: RB1 (RB transcriptional corepressor 1; plus strand). Cytogenetic location: 13q14.2.
Variant type: single nucleotide variant.
Coding change: c.165T>A on transcript NM_000321.3 (MANE Select); coding-DNA position 165, T replaced by A.
Protein change: p.Pro55=; no amino-acid change (proline 55 retained).
Molecular consequence: synonymous variant.
Genome position (GRCh38, 1-based): chr13:48,307,307, T>A. VCF-style: chr13-48307307-T-A. GRCh37 (hg19) VCF-style: chr13-48881443-T-A.
Identifiers: ClinVar variation 771972 (VCV000771972.16), dbSNP rs775560197, ClinGen allele CA029251.